The following is an entry in ClinVar:

NM_001453.3(FOXC1):c.666_681del (p.Ile223fs)

Gene: FOXC1 (forkhead box C1; plus strand). Cytogenetic location: 6p25.3.
Variant type: Deletion.
Coding change: c.666_681del on transcript NM_001453.3 (MANE Select); coding-DNA positions 666 to 681, 16 bases deleted (CATCCAGGACATCAAG).
Protein change: p.Ile223fs; shifts the reading frame from isoleucine 223.
Molecular consequence: frameshift variant.
Genome position (GRCh38, 1-based): chr6:1,611,111-1,611,126, CATCCAGGACATCAAG deleted; deleting any 16 consecutive bases within chr6:1,611,110-1,611,126 gives the same sequence; the c. name uses the placement nearest the transcript's 3' end. VCF-style (leftmost placement, unchanged base first): chr6-1611109-CGCATCCAGGACATCAA-C. GRCh37 (hg19) VCF-style: chr6-1611344-CGCATCCAGGACATCAA-C.
Other names: short protein forms I223fs.
Identifiers: ClinVar variation 375428 (VCV000375428.4), dbSNP rs1057519479, ClinGen allele CA16044267.
Genomic context (GRCh38, chr6:1,611,109, plus strand): 5'-CCGCCCGCGCCGCCGGAGCAGGCCGACGGCAACGCGCCCGGTCCGCAGCCGCCGCCCGTG[CGCATCCAGGACATCAA>C]GACCGAGAACGGTACGTGCCCCTCGCCGCCCCAGCCCCTGTCCCCGGCCGCCGCCCTGGG-3'

ClinVar aggregate classification (germline): Pathogenic/Likely pathogenic. Review status: criteria provided, multiple submitters, no conflicts (2 of 4 stars). 2 submissions from 2 submitters: Pathogenic (1); Likely pathogenic (1). Last evaluated 2020-11-16.

Conditions:
Hypertelorism and tetralogy of fallot. Identifiers: MedGen C1855903, MONDO:0009403, OMIM 239711.
Axenfeld-Rieger syndrome type 3 (RIEG3). Also called: AXENFELD-RIEGER ANOMALY WITH CARDIAC DEFECTS AND/OR SENSORINEURAL HEARING LOSS. Identifiers: Orphanet 782, MedGen C2678503, MONDO:0011233, OMIM 602482.

Submissions (2):

Broad Center for Mendelian Genomics, Broad Institute of MIT and Harvard
Classification: Likely pathogenic for Hypertelorism and tetralogy of fallot. Last evaluated: 2020-11-16. Review status: criteria provided, single submitter. Criteria: ACMG Guidelines, 2015. Collection method: curation. Allele origin: germline. Inheritance: Autosomal dominant inheritance.
Comment: The heterozygous p.Ile223ProfsTer87 variant in FOXC1 was identified by our study in 2 family members with Axenfeld-Rieger syndrome, type 3. The variant has been reported in 2 related individuals with Axenfeld-Rieger syndrome, type 3 (PMID: 28513611) and was absent from large population studies. This variant has been reported in ClinVar (Variation ID: 375428) as pathogenic by Molecular Pathology, SA Pathology. This variant is predicted to cause a frameshift, which alters the proteinâ€™s amino acid sequence beginning at position 223 and leads to a premature termination codon 87 amino acids downstream. This gene is a single exon gene and is more likely to escape nonsense mediated decay (NMD) and result in a truncated protein. While there is some evidence to suggest that heterozygous loss of function of the FOXC1 gene is a disease mechanism in Axenfeld-Rieger syndrome, type 3, this association is not yet strongly established based on the criteria laid out in Tayoun, 2018 (PMID: 30192042). In summary, although additional studies are required to fully establish its clinical significance, this variant is likely pathogenic for autosomal dominant Axenfeld-Rieger syndrome, type 3. ACMG/AMP Criteria applied: PM2, PVS1_moderate, PS4_supporting, PP1 (Richards 2015).

Genetics and Molecular Pathology, SA Pathology
Classification: Pathogenic for Axenfeld-Rieger syndrome type 3. Last evaluated: 2016-05-16. Review status: criteria provided, single submitter. Criteria: ACMG Guidelines, 2015. Collection method: clinical testing. Allele origin: paternal. Inheritance: Autosomal dominant inheritance. Affected: yes. Observed: 2 variant alleles, 2 heterozygotes.
Comment: Frame-shift introducing premature terminating codon (PTC) effecting functional haploinufficiency; clinical significance consistent with FOXC1 PTC variants found upstream and down stream of this position - each regarded as pathogenic in published literature.